The following is an entry in ClinVar:

NM_000256.3(MYBPC3):c.393C>A (p.Ala131=)

Gene: MYBPC3 (myosin binding protein C3; minus strand). Cytogenetic location: 11p11.2.
Variant type: single nucleotide variant.
Coding change: c.393C>A on transcript NM_000256.3 (MANE Select); coding-DNA position 393, C replaced by A.
Protein change: p.Ala131=; no amino-acid change (alanine 131 retained).
Molecular consequence: synonymous variant.
Genome position (GRCh38, 1-based): chr11:47,350,515, G>T on the plus strand (C>A on the coding strand, the complement: MYBPC3 is on the minus strand). VCF-style: chr11-47350515-G-T. GRCh37 (hg19) VCF-style: chr11-47372066-G-T.
Identifiers: ClinVar variation 920070 (VCV000920070.14), dbSNP rs1180272933, ClinGen allele CA474222036.

ClinVar aggregate classification (germline): Likely benign. Review status: criteria provided, multiple submitters, no conflicts (2 of 4 stars). 6 submissions from 6 submitters: Likely benign (6). Last evaluated 2025-12-31.

Conditions:
Hypertrophic cardiomyopathy. Also called: HYPERTROPHIC MYOCARDIOPATHY. Identifiers: Orphanet 217569, MedGen C0007194, MeSH D002312, MONDO:0005045, HP:0001639.
Cardiomyopathy (CMYO). Also called: Cardiomyopathies. Identifiers: Orphanet 167848, MedGen C0878544, MONDO:0004994, HP:0001638. Inheritance: Various modes of inheritance.
Cardiovascular phenotype. Identifiers: MedGen CN230736.

Allele frequency attached by ClinVar (database versions not stated): gnomAD 0.00001; gnomAD exomes 0.00001.
gnomAD v4.1: 11 of 1,560,330 alleles (0.0007%); highest among the groups gnomAD compares: Non-Finnish European, 0.00095%; no homozygotes.

Submissions (6):

Labcorp Genetics (formerly Invitae), Labcorp
Classification: Likely benign for Hypertrophic cardiomyopathy. Last evaluated: 2025-12-31. Review status: criteria provided, single submitter. Criteria: Invitae Variant Classification Sherloc (09022015). Collection method: clinical testing. Allele origin: germline.

Molecular Diagnostic Laboratory for Inherited Cardiovascular Disease, Montreal Heart Institute
Classification: Likely benign. Last evaluated: 2025-04-09. Review status: criteria provided, single submitter. Criteria: ACMG Guidelines, 2015. Collection method: clinical testing. Allele origin: germline. Affected: no.

Ambry Genetics
Classification: Likely benign for Cardiovascular phenotype. Last evaluated: 2024-10-29. Review status: criteria provided, single submitter. Criteria: Ambry Variant Classification Scheme 2023. Collection method: clinical testing. Allele origin: germline.

All of Us Research Program, National Institutes of Health
Classification: Likely benign for Hypertrophic cardiomyopathy. Last evaluated: 2024-09-23. Review status: criteria provided, single submitter. Criteria: ACMG Guidelines, 2015. Collection method: clinical testing. Allele origin: germline. Inheritance: Autosomal dominant inheritance. Observed: 1 variant allele, 1 heterozygote.
Comment: This study involves interpretation of variants in research participants for the purpose of population health screening. Participant phenotype was not available at the time of variant classification. Additional details can be found in publication PMID: 35346344, PMCID: PMC8962531

Women's Health and Genetics/Laboratory Corporation of America, LabCorp
Classification: Likely benign. Last evaluated: 2023-04-04. Review status: criteria provided, single submitter. Criteria: LabCorp Variant Classification Summary - May 2015. Collection method: clinical testing. Allele origin: germline.

Color Diagnostics, LLC DBA Color Health
Classification: Likely benign for Cardiomyopathy. Last evaluated: 2019-04-06. Review status: criteria provided, single submitter. Criteria: ACMG Guidelines, 2015. Collection method: clinical testing. Allele origin: germline.